The following is an entry in ClinVar:

ClinVar aggregate classification (germline): Benign (0 of 4 stars; one submission).

Conditions:
PRRC2A-related disorder. Also called: PRRC2A-related condition.

Allele frequency attached by ClinVar (database versions not stated): TOPMed 0.00138; ExAC 0.00283; 1000 Genomes Project 30x 0.01062; 1000 Genomes Project 0.01098.
gnomAD v4.1: 1,565 of 1,607,352 alleles (0.097%); highest among the groups gnomAD compares: East Asian, 2.1%; 57 homozygotes.

Submission:

PreventionGenetics, part of Exact Sciences
Classification: Benign for PRRC2A-related condition. Last evaluated: 2019-04-04. Review status: no assertion criteria provided. Collection method: clinical testing. Allele origin: germline.
Comment: This variant is classified as benign based on ACMG/AMP sequence variant interpretation guidelines (Richards et al. 2015 PMID: 25741868, with internal and published modifications).

NM_004638.4(PRRC2A):c.5938C>A (p.Leu1980Ile)

Gene: PRRC2A (proline rich coiled-coil 2A; plus strand). Cytogenetic location: 6p21.33.
Variant type: single nucleotide variant.
Coding change: c.5938C>A on transcript NM_004638.4 (MANE Select); coding-DNA position 5938, C replaced by A.
Protein change: p.Leu1980Ile; replaces leucine 1980 with isoleucine.
Molecular consequence: missense variant.
Genome position (GRCh38, 1-based): chr6:31,636,736, C>A. VCF-style: chr6-31636736-C-A. GRCh37 (hg19) VCF-style: chr6-31604513-C-A.
Other names: c.5938C>A, p.Leu1980Ile (NM_080686.3); short protein forms L1980I.
Identifiers: ClinVar variation 3039303 (VCV003039303.2), dbSNP rs114580964, ClinGen allele CA3716701.